The following is an entry in ClinVar:

NM_003476.5(CSRP3):c.524A>G (p.Asn175Ser)

Gene: CSRP3 (cysteine and glycine rich protein 3; minus strand). Cytogenetic location: 11p15.1.
Variant type: single nucleotide variant.
Coding change: c.524A>G on transcript NM_003476.5 (MANE Select); coding-DNA position 524, A replaced by G.
Protein change: p.Asn175Ser; replaces asparagine 175 with serine.
Molecular consequence: missense variant.
Genome position (GRCh38, 1-based): chr11:19,182,731, T>C on the plus strand (A>G on the coding strand, the complement: CSRP3 is on the minus strand). VCF-style: chr11-19182731-T-C. GRCh37 (hg19) VCF-style: chr11-19204278-T-C.
Other names: c.355A>G, p.Ile119Val (NM_001369404.1); short protein forms I119V, N175S.
Identifiers: ClinVar variation 1358328 (VCV001358328.8), dbSNP rs370147131, ClinGen allele CA379887555.

ClinVar aggregate classification (germline): Uncertain significance (1 of 4 stars; one submission).

Conditions:
Hypertrophic cardiomyopathy 12. Identifiers: MedGen C2677491, MONDO:0012804, OMIM 612124.
Dilated cardiomyopathy 1M (CMD1M). Identifiers: Orphanet 154, MedGen C1843808, MONDO:0011840, OMIM 607482.

Submission:

Labcorp Genetics (formerly Invitae), Labcorp
Classification: Uncertain significance for Hypertrophic cardiomyopathy 12; Dilated cardiomyopathy 1M. Last evaluated: 2022-01-19. Review status: criteria provided, single submitter. Criteria: Invitae Variant Classification Sherloc (09022015). Collection method: clinical testing. Allele origin: germline.
Comment: In summary, the available evidence is currently insufficient to determine the role of this variant in disease. Therefore, it has been classified as a Variant of Uncertain Significance. Algorithms developed to predict the effect of sequence changes on RNA splicing suggest that this variant may create or strengthen a splice site. Algorithms developed to predict the effect of missense changes on protein structure and function (SIFT, PolyPhen-2, Align-GVGD) all suggest that this variant is likely to be tolerated. This missense change has been observed in individual(s) with clinical features of hypertrophic cardiomyopathy (Invitae). This variant is not present in population databases (gnomAD no frequency). This sequence change replaces asparagine, which is neutral and polar, with serine, which is neutral and polar, at codon 175 of the CSRP3 protein (p.Asn175Ser).